The following is an entry in ClinVar:

NM_172240.3(POC1B):c.317G>C (p.Arg106Pro)

Genes: POC1B (POC1 centriolar protein B; minus strand), POC1B-DUSP6 (POC1B-DUSP6 readthrough; minus strand). Cytogenetic location: 12q21.33.
Variant type: single nucleotide variant.
Coding change: c.317G>C on transcript NM_172240.3 (MANE Select); coding-DNA position 317, G replaced by C.
Protein change: p.Arg106Pro; replaces arginine 106 with proline.
Molecular consequence: missense variant. On other transcripts: non-coding transcript variant (2).
Genome position (GRCh38, 1-based): chr12:89,492,071, C>G on the plus strand (G>C on the coding strand, the complement: POC1B is on the minus strand). VCF-style: chr12-89492071-C-G. GRCh37 (hg19) VCF-style: chr12-89885848-C-G.
Other names: c.191G>C, p.Arg64Pro (NM_001199777.2); short protein forms R106P, R64P.
Identifiers: ClinVar variation 155769 (VCV000155769.8), dbSNP rs76216585, ClinGen allele CA170703.
Genomic context (GRCh38, chr12:89,492,071, plus strand): 5'-ATGGATTTGTCTTCAGAAGCTGTAGCTAGAAACTGGCCATCAGCTGAAAAGTCTACACTT[C>G]GAACTGGAGCTGTATGAGCTTTAAATTCTGAGAATTTTCCTCTCCTGGAAATAAACAGTT-3'
Protein context (NP_758440.1, residues 96-116): SEFKAHTAPV[Arg106Pro]SVDFSADGQF

ClinVar aggregate classification (germline): Pathogenic. Review status: criteria provided, multiple submitters, no conflicts (2 of 4 stars). 4 submissions from 4 submitters: Pathogenic (3). 1 of the submissions does not count toward it. Last evaluated 2024-05-23.

Conditions:
POC1B-related disorder. Also called: POC1B-related condition.
Cone-rod dystrophy 20 (CORD20). Identifiers: Orphanet 1872, MedGen C4014856, MONDO:0014427, OMIM 615973.

Allele frequency attached by ClinVar (database versions not stated): TOPMed 0.00002.
gnomAD v4.1: 17 of 1,597,632 alleles (0.0011%); highest among the groups gnomAD compares: Non-Finnish European, 0.0014%; no homozygotes.

Submissions (4):

Blueprint Genetics
Classification: Pathogenic for POC1B-related disorders. Last evaluated: 2024-05-23. Review status: criteria provided, single submitter. Criteria: ACMG Guidelines, 2015. Collection method: clinical testing. Allele origin: germline. Affected: yes. Observed: 5 variant alleles.

Labcorp Genetics (formerly Invitae), Labcorp
Classification: Pathogenic. Last evaluated: 2022-08-23. Review status: criteria provided, single submitter. Criteria: Invitae Variant Classification Sherloc (09022015). Collection method: clinical testing. Allele origin: germline.
Comment: This variant is not present in population databases (gnomAD no frequency). This sequence change replaces arginine, which is basic and polar, with proline, which is neutral and non-polar, at codon 106 of the POC1B protein (p.Arg106Pro). This missense change has been observed in individuals with autosomal recessive cone-rod dystrophy (PMID: 24945461, 25018096). It has also been observed to segregate with disease in related individuals. For these reasons, this variant has been classified as Pathogenic. Experimental studies have shown that this missense change affects POC1B function (PMID: 25018096). Algorithms developed to predict the effect of missense changes on protein structure and function are either unavailable or do not agree on the potential impact of this missense change (SIFT: "Deleterious"; PolyPhen-2: "Probably Damaging"; Align-GVGD: "Class C0"). ClinVar contains an entry for this variant (Variation ID: 155769).

Broad Center for Mendelian Genomics, Broad Institute of MIT and Harvard
Classification: Pathogenic for Cone-rod dystrophy 20. Review status: criteria provided, single submitter. Criteria: ACMG Guidelines, 2015. Collection method: research. Allele origin: germline. Inheritance: Autosomal recessive inheritance. Affected: yes. Observed: 1 variant allele, 1 homozygote. Study: Broad Institute Center for Mendelian Genomics (CMG).
Comment: The p.Arg106Pro is pathogenic due to evidence in the literature. This variant has been reported to be homozygous in 8 individuals with either cone dystrophy or cone-rod dystrophy across 3 families.

OMIM
Classification: Pathogenic for CONE-ROD DYSTROPHY 20. Last evaluated: 2014-10-01. Review status: no assertion criteria provided. Collection method: literature only. Allele origin: germline. Not counted in ClinVar's aggregate classification.

Literature cited by the submitters: PubMed 24945461 (cited by 3 submitters); PubMed 25018096 (cited by 3 submitters); PubMed 25044745 (cited by Broad Center for Mendelian Genomics, Broad Institute of MIT and Harvard and OMIM); Cremers, F. P. M. Personal Communication. 2014. Nijmegen, The Netherlands (cited by OMIM); PubMed 40170356 (cited by OMIM).